The following is an entry in ClinVar:

ClinVar aggregate classification (germline): Likely pathogenic (1 of 4 stars; one submission).

Allele frequency attached by ClinVar (database versions not stated): gnomAD exomes below 0.00001.
gnomAD v4.1: 2 of 1,203,852 alleles (0.00017%); highest among the groups gnomAD compares: Non-Finnish European, 0.00011%; no homozygotes.

Submission:

Labcorp Genetics (formerly Invitae), Labcorp
Classification: Likely pathogenic. Last evaluated: 2022-08-15. Review status: criteria provided, single submitter. Criteria: Invitae Variant Classification Sherloc (09022015). Collection method: clinical testing. Allele origin: germline.
Comment: Disruption of this splice site has been observed in individual(s) with DDX3X-related conditions (PMID: 28191889, 33004838). This variant is present in population databases (no rsID available, gnomAD 0.001%), including at least one homozygous and/or hemizygous individual. This sequence change affects an acceptor splice site in intron 15 of the DDX3X gene. It is expected to disrupt RNA splicing. Variants that disrupt the donor or acceptor splice site typically lead to a loss of protein function (PMID: 16199547), and loss-of-function variants in DDX3X are known to be pathogenic (PMID: 26235985). This variant is also known as c.2040-1G>A . In summary, the currently available evidence indicates that the variant is pathogenic, but additional data are needed to prove that conclusively. Therefore, this variant has been classified as Likely Pathogenic. Algorithms developed to predict the effect of sequence changes on RNA splicing suggest that this variant may disrupt the consensus splice site.

Literature cited by the submitters: PubMed 28191889; PubMed 33004838; PubMed 16199547; PubMed 26235985.

NM_001356.5(DDX3X):c.1772G>A (p.Ser591Asn)

Gene: DDX3X (DEAD-box helicase 3 X-linked; plus strand). Cytogenetic location: Xp11.4.
Variant type: single nucleotide variant.
Coding change: c.1772G>A on transcript NM_001356.5 (MANE Select); coding-DNA position 1772, G replaced by A.
Protein change: p.Ser591Asn; replaces serine 591 with asparagine.
Molecular consequence: missense variant. On other transcripts: non-coding transcript variant (1), splice acceptor variant (2).
Genome position (GRCh38, 1-based): chrX:41,347,314, G>A. VCF-style: chrX-41347314-G-A. GRCh37 (hg19) VCF-style: chrX-41206567-G-A.
Other names: c.1724G>A, p.Ser575Asn (NM_001193417.3); c.1770-1G>A (NM_001193416.3); c.1212-1G>A (NM_001363819.1); short protein forms S575N, S591N.
Identifiers: ClinVar variation 2077177 (VCV002077177.4), dbSNP rs1463769342, ClinGen allele CA412778543.